The following is an entry in ClinVar:

NM_024312.5(GNPTAB):c.1696_1697del (p.Phe566fs)

Gene: GNPTAB (N-acetylglucosamine-1-phosphate transferase subunits alpha and beta; minus strand). Cytogenetic location: 12q23.2.
Variant type: Deletion.
Coding change: c.1696_1697del on transcript NM_024312.5 (MANE Select); coding-DNA positions 1696 to 1697, 2 bases deleted (TT; older notation c.1696_1697delTT).
Protein change: p.Phe566fs; shifts the reading frame from phenylalanine 566.
Molecular consequence: frameshift variant.
Genome position (GRCh38, 1-based): chr12:101,765,220-101,765,221, AA deleted on the plus strand (TT on the coding strand, the reverse complement: GNPTAB is on the minus strand); deleting any 2 consecutive bases within chr12:101,765,220-101,765,222 gives the same sequence; the c. name uses the placement nearest the transcript's 3' end. VCF-style (leftmost placement, unchanged base first): chr12-101765219-GAA-G. GRCh37 (hg19) VCF-style: chr12-102158997-GAA-G.
Other names: short protein forms F566fs.
Identifiers: ClinVar variation 5016021 (VCV005016021.1).

ClinVar aggregate classification (germline): Pathogenic (1 of 4 stars; one submission).

Conditions:
GNPTAB-mucolipidosis. Also called: UDP-N-acetylglucosamine-1-phosphotransferase subunit alpha/beta deficiency. Identifiers: MedGen CN322573, MONDO:0100122.

Submission:

Myriad Genetics, Inc.
Classification: Pathogenic for GNPTAB-mucolipidosis. Last evaluated: 2026-06-10. Review status: criteria provided, single submitter. Criteria: Myriad Autosomal Dominant, Autosomal Recessive and X-Linked Classification Criteria (2023). Collection method: clinical testing. Allele origin: unknown.
Comment: NM_024312.4(GNPTAB):c.1696_1697delTT(F566Qfs*11) is expected to be pathogenic in the context of GNPTAB-related disorders. This variant is predicted to lead to an abnormal or absent protein product due to the creation of a premature termination codon in GNPTAB, a gene where loss-of-function variants are known to be pathogenic. Please note: this variant was assessed in the context of healthy population screening.